The following is an entry in ClinVar:

ClinVar aggregate classification (germline): Benign. Review status: criteria provided, multiple submitters, no conflicts (2 of 4 stars). 2 submissions from 2 submitters: Benign (2). Last evaluated 2018-06-14.

Allele frequency attached by ClinVar (database versions not stated): 1000 Genomes Project 0.27276; 1000 Genomes Project 30x 0.27608; gnomAD 0.28892 and 0.28908; gnomAD exomes 0.29118; TOPMed 0.29930.
gnomAD v4.1: 136,319 of 468,326 alleles (29%); highest among the groups gnomAD compares: Middle Eastern, 40%; 20,849 homozygotes.

Submissions (2):

GeneDx
Classification: Benign. Last evaluated: 2018-06-14. Review status: criteria provided, single submitter. Criteria: GeneDx Variant Classification (06012015). Collection method: clinical testing. Allele origin: germline. Affected: yes.
Comment: This variant is considered likely benign or benign based on one or more of the following criteria: it is a conservative change, it occurs at a poorly conserved position in the protein, it is predicted to be benign by multiple in silico algorithms, and/or has population frequency not consistent with disease.

Breakthrough Genomics
Classification: Benign. Review status: criteria provided, single submitter. Criteria: ACMG Guidelines, 2015. Collection method: not provided. Allele origin: germline. Inheritance: Autosomal dominant inheritance. Affected: yes.

NM_001040142.2(SCN2A):c.3850-226C>T

Gene: SCN2A (sodium voltage-gated channel alpha subunit 2; plus strand). Cytogenetic location: 2q24.3.
Variant type: single nucleotide variant.
Coding change: c.3850-226C>T on transcript NM_001040142.2 (MANE Select); 226 bases into the intron before coding-DNA position 3850, C replaced by T.
Molecular consequence: intron variant.
Genome position (GRCh38, 1-based): chr2:165,372,999, C>T. VCF-style: chr2-165372999-C-T. GRCh37 (hg19) VCF-style: chr2-166229509-C-T.
Other names: c.3850-226C>T (NM_001040143.2, NM_001371246.1, NM_001371247.1 and 1 more transcripts).
Identifiers: ClinVar variation 669360 (VCV000669360.2), dbSNP rs12692768, ClinGen allele CA11036112.